The following is an entry in ClinVar:

NM_021067.5(GINS1):c.298A>G (p.Asn100Asp)

Gene: GINS1 (GINS complex subunit 1; plus strand). Cytogenetic location: 20p11.21.
Variant type: single nucleotide variant.
Coding change: c.298A>G on transcript NM_021067.5 (MANE Select); coding-DNA position 298, A replaced by G.
Protein change: p.Asn100Asp; replaces asparagine 100 with aspartic acid.
Molecular consequence: missense variant. On other transcripts: non-coding transcript variant (1).
Genome position (GRCh38, 1-based): chr20:25,418,163, A>G. VCF-style: chr20-25418163-A-G. GRCh37 (hg19) VCF-style: chr20-25398799-A-G.
Other names: c.298A>G, p.Asn100Asp (NM_001410830.1); c.298A>G (NM_021067.4, NM_021067.3); short protein forms N100D.
Identifiers: ClinVar variation 2174933 (VCV002174933.6), dbSNP rs910279883, ClinGen allele CA313708292.

ClinVar aggregate classification (germline): Uncertain significance. Review status: criteria provided, multiple submitters, no conflicts (2 of 4 stars). 2 submissions from 2 submitters: Uncertain significance (2). Last evaluated 2025-05-17.

Allele frequency attached by ClinVar (database versions not stated): TOPMed 0.00001; gnomAD 0.00002; gnomAD exomes 0.00002.
gnomAD v4.1: 30 of 1,601,378 alleles (0.0019%); highest among the groups gnomAD compares: Non-Finnish European, 0.0025%; no homozygotes.

Submissions (2):

Ambry Genetics
Classification: Uncertain significance. Last evaluated: 2025-05-17. Review status: criteria provided, single submitter. Criteria: Ambry Variant Classification Scheme 2023. Collection method: clinical testing. Allele origin: germline.

Labcorp Genetics (formerly Invitae), Labcorp
Classification: Uncertain significance. Last evaluated: 2023-12-02. Review status: criteria provided, single submitter. Criteria: Invitae Variant Classification Sherloc (09022015). Collection method: clinical testing. Allele origin: germline.
Comment: This sequence change replaces asparagine, which is neutral and polar, with aspartic acid, which is acidic and polar, at codon 100 of the GINS1 protein (p.Asn100Asp). This variant is present in population databases (no rsID available, gnomAD 0.002%). This variant has not been reported in the literature in individuals affected with GINS1-related conditions. ClinVar contains an entry for this variant (Variation ID: 2174933). An algorithm developed to predict the effect of missense changes on protein structure and function (PolyPhen-2) suggests that this variant is likely to be tolerated. In summary, the available evidence is currently insufficient to determine the role of this variant in disease. Therefore, it has been classified as a Variant of Uncertain Significance.